The following is an entry in ClinVar:

NC_012920.1(MT-ND5):m.13928G>A

Gene: MT-ND5 (mitochondrially encoded NADH dehydrogenase 5; plus strand).
Variant type: single nucleotide variant.
Genome position: chrM-13928-G-A.
Identifiers: ClinVar variation 693636 (VCV000693636.1), dbSNP rs28359184, ClinGen allele CA337099854.
Genomic context (GRCh38, chrMT:13,928, plus strand): 5'-TTAAAATAAAATCCCCACTATGCACATTTTATTTCTCCAACATACTCGGATTCTACCCTA[G>A]CATCACACACCGCACAATCCCCTATCTAGGCCTTCTTACGAGCCAAAACCTGCCCCTACT-3'

ClinVar aggregate classification (germline): Benign (1 of 4 stars; one submission).

Conditions:
Leigh syndrome (NULS). Also called: Leigh's necrotizing encephalopathy; Leigh's disease; Leigh's syndrome; LEIGH SYNDROME, NUCLEAR; Leigh Syndrome (mtDNA deletion); Leigh Disease. Identifiers: Orphanet 506, MedGen C2931891, MONDO:0009723, OMIM 256000.

Submission:

Wong Mito Lab, Molecular and Human Genetics, Baylor College of Medicine
Classification: Benign for Leigh syndrome. Last evaluated: 2019-10-17. Review status: criteria provided, single submitter. Criteria: Modified ACMG Guidelines (Unpublished). Collection method: clinical testing. Allele origin: germline.
Comment: The NC_012920.1:m.13928G>A (YP_003024036.1:p.Ser531Asn) variant in MTND5 gene is interpretated to be a Benign variant based on the modified ACMG guidelines (unpublished). This variant meets the following evidence codes: BS1, BS2, BP4